The following is an entry in ClinVar:

ClinVar aggregate classification (germline): Uncertain significance (1 of 4 stars; one submission).

Conditions:
Tuberous sclerosis 2 (TSC2). Identifiers: Orphanet 805, MedGen C1860707, MONDO:0013199, OMIM 613254.

Submission:

Labcorp Genetics (formerly Invitae), Labcorp
Classification: Uncertain significance for Tuberous sclerosis 2. Last evaluated: 2023-04-09. Review status: criteria provided, single submitter. Criteria: Invitae Variant Classification Sherloc (09022015). Collection method: clinical testing. Allele origin: germline.
Comment: In summary, the available evidence is currently insufficient to determine the role of this variant in disease. Therefore, it has been classified as a Variant of Uncertain Significance. Advanced modeling of protein sequence and biophysical properties (such as structural, functional, and spatial information, amino acid conservation, physicochemical variation, residue mobility, and thermodynamic stability) performed at Invitae indicates that this missense variant is not expected to disrupt TSC2 protein function. This variant has not been reported in the literature in individuals affected with TSC2-related conditions. This variant is not present in population databases (gnomAD no frequency). This sequence change replaces lysine, which is basic and polar, with asparagine, which is neutral and polar, at codon 782 of the TSC2 protein (p.Lys782Asn).

NM_000548.5(TSC2):c.2346A>T (p.Lys782Asn)

Gene: TSC2 (TSC complex subunit 2; plus strand). Cytogenetic location: 16p13.3.
Variant type: single nucleotide variant.
Coding change: c.2346A>T on transcript NM_000548.5 (MANE Select); coding-DNA position 2346, A replaced by T.
Protein change: p.Lys782Asn; replaces lysine 782 with asparagine.
Molecular consequence: missense variant. On other transcripts: non-coding transcript variant (5).
Genome position (GRCh38, 1-based): chr16:2,072,974, A>T. VCF-style: chr16-2072974-A-T. GRCh37 (hg19) VCF-style: chr16-2122975-A-T.
Other names: c.2346A>T, p.Lys782Asn (NM_001077183.3, NM_001114382.3, NM_001363528.2 and 6 more transcripts); c.2235A>T, p.Lys745Asn (NM_001318827.2, NM_001406670.1, NM_001406678.1); c.2199A>T, p.Lys733Asn (NM_001318829.2, NM_001406675.1, NM_001406676.1 and 1 more transcripts); c.1746A>T, p.Lys582Asn (NM_001318831.2, NM_001406680.1, NM_001406682.1 and 6 more transcripts); c.2379A>T, p.Lys793Asn (NM_001318832.2); c.2436A>T, p.Lys812Asn (NM_001406667.1, NM_001406668.1); c.2334A>T, p.Lys778Asn (NM_001406671.1, NM_001406673.1); c.2289A>T, p.Lys763Asn (NM_001406677.1); and 3 more; short protein forms K733N, K334N, K812N, K582N, K248N, K628N, K745N, K763N.
Identifiers: ClinVar variation 2854256 (VCV002854256.3), dbSNP rs2543769864, ClinGen allele CA394276699.